The following is an entry in ClinVar:

ClinVar aggregate classification (germline): Uncertain significance (1 of 4 stars; one submission).

Conditions:
Cardiovascular phenotype. Identifiers: MedGen CN230736.

gnomAD v4.1: 5 of 1,613,202 alleles (0.00031%); highest among the groups gnomAD compares: African/African-American, 0.0013%; no homozygotes.

Submission:

Ambry Genetics
Classification: Uncertain significance for Cardiovascular phenotype. Last evaluated: 2025-01-05. Review status: criteria provided, single submitter. Criteria: Ambry Variant Classification Scheme 2023. Collection method: clinical testing. Allele origin: germline.
Comment: The p.Y1225H variant (also known as c.3673T>C), located in coding exon 30 of the ABCC9 gene, results from a T to C substitution at nucleotide position 3673. The tyrosine at codon 1225 is replaced by histidine, an amino acid with similar properties. This amino acid position is highly conserved in available vertebrate species. In addition, this alteration is predicted to be deleterious by in silico analysis. Based on the available evidence, the clinical significance of this variant remains unclear.

NM_020297.4(ABCC9):c.3673T>C (p.Tyr1225His)

Genes: ABCC9 (ATP binding cassette subfamily C member 9; minus strand), KCNJ8-AS1 (KCNJ8 antisense RNA 1; plus strand). Cytogenetic location: 12p12.1.
Variant type: single nucleotide variant.
Coding change: c.3673T>C on transcript NM_020297.4 (MANE Select); coding-DNA position 3673, T replaced by C.
Protein change: p.Tyr1225His; replaces tyrosine 1225 with histidine.
Molecular consequence: missense variant.
Genome position (GRCh38, 1-based): chr12:21,818,248, A>G on the plus strand (T>C on the coding strand, the complement: ABCC9 is on the minus strand). VCF-style: chr12-21818248-A-G. GRCh37 (hg19) VCF-style: chr12-21971182-A-G.
Other names: c.3673T>C, p.Tyr1225His (NM_001377273.1, NM_005691.4); c.2806T>C, p.Tyr936His (NM_001377274.1); short protein forms Y936H, Y1225H.
Identifiers: ClinVar variation 3879073 (VCV003879073.1).